The following is an entry in ClinVar:

NM_017612.5(ZCCHC8):c.1129G>A (p.Gly377Arg)

Gene: ZCCHC8 (zinc finger CCHC-type containing 8; minus strand). Cytogenetic location: 12q24.31.
Variant type: single nucleotide variant.
Coding change: c.1129G>A on transcript NM_017612.5 (MANE Select); coding-DNA position 1129, G replaced by A.
Protein change: p.Gly377Arg; replaces glycine 377 with arginine.
Molecular consequence: missense variant.
Genome position (GRCh38, 1-based): chr12:122,480,201, C>T on the plus strand (G>A on the coding strand, the complement: ZCCHC8 is on the minus strand). VCF-style: chr12-122480201-C-T. GRCh37 (hg19) VCF-style: chr12-122964748-C-T.
Other names: c.898G>A, p.Gly300Arg (NM_001350935.2); c.832G>A, p.Gly278Arg (NM_001350936.2); c.415G>A, p.Gly139Arg (NM_001350937.2, NM_001350938.2); short protein forms G300R, G139R, G278R, G377R.
Identifiers: ClinVar variation 2108970 (VCV002108970.4), dbSNP rs2547201261, ClinGen allele CA387051737.
Genomic context (GRCh38, chr12:122,480,201, plus strand): 5'-CATAATAATATCACATCACATGATAATTTAAAAAAATCAATATACTTACGTCTGGAATTC[C>T]TCTGGGAGTAGATATATTAAAACCAGGATAGTTGACCAATTTTGAGAGATCGTAAGTGAC-3'
Protein context (NP_060082.2, residues 367-387): YPGFNISTPR[Gly377Arg]IPDEWRIFGS

ClinVar aggregate classification (germline): Uncertain significance (1 of 4 stars; one submission).

Submission:

Labcorp Genetics (formerly Invitae), Labcorp
Classification: Uncertain significance. Last evaluated: 2024-02-19. Review status: criteria provided, single submitter. Criteria: Invitae Variant Classification Sherloc (09022015). Collection method: clinical testing. Allele origin: germline.
Comment: This sequence change replaces glycine, which is neutral and non-polar, with arginine, which is basic and polar, at codon 377 of the ZCCHC8 protein (p.Gly377Arg). This variant is not present in population databases (gnomAD no frequency). This variant has not been reported in the literature in individuals affected with ZCCHC8-related conditions. ClinVar contains an entry for this variant (Variation ID: 2108970). Advanced modeling of protein sequence and biophysical properties (such as structural, functional, and spatial information, amino acid conservation, physicochemical variation, residue mobility, and thermodynamic stability) performed at Invitae indicates that this missense variant is not expected to disrupt ZCCHC8 protein function with a negative predictive value of 80%. In summary, the available evidence is currently insufficient to determine the role of this variant in disease. Therefore, it has been classified as a Variant of Uncertain Significance.